The following is an entry in ClinVar:

ClinVar aggregate classification (germline): Uncertain significance (1 of 4 stars; one submission).

Allele frequency attached by ClinVar (database versions not stated): gnomAD exomes below 0.00001.
gnomAD v4.1: 1 of 1,613,584 alleles (0.000062%); highest among the groups gnomAD compares: Non-Finnish European, 0.000085%; no homozygotes.

Submission:

GeneDx
Classification: Uncertain significance. Last evaluated: 2026-05-08. Review status: criteria provided, single submitter. Criteria: GeneDx Variant Classification Process June 2021. Collection method: clinical testing. Allele origin: germline.
Comment: Not observed at significant frequency in large population cohorts (gnomAD); In silico analysis suggests that this missense variant does not alter protein structure/function; Has not been previously published as pathogenic or benign to our knowledge

NM_017934.7(PHIP):c.4927C>T (p.Pro1643Ser)

Genes: IRAK1BP1 (interleukin 1 receptor associated kinase 1 binding protein 1; plus strand), PHIP (PHIP subunit of CUL4-Ring ligase complex; minus strand). Cytogenetic location: 6q14.1.
Variant type: single nucleotide variant.
Coding change: c.4927C>T on transcript NM_017934.7 (MANE Select); coding-DNA position 4927, C replaced by T.
Protein change: p.Pro1643Ser; replaces proline 1643 with serine.
Molecular consequence: missense variant.
Genome position (GRCh38, 1-based): chr6:78,941,232, G>A on the plus strand (C>T on the coding strand, the complement: PHIP is on the minus strand). VCF-style: chr6-78941232-G-A. GRCh37 (hg19) VCF-style: chr6-79650949-G-A.
Other names: short protein forms P1643S.
Identifiers: ClinVar variation 2444817 (VCV002444817.2), dbSNP rs2481767203, ClinGen allele CA364633668.
Genomic context (GRCh38, chr6:78,941,232, plus strand): 5'-GCTTTCTACCCCTTTTCTTGTGTATAATTTCACCACTATTGGTATTAACTTCTACTTTAG[G>A]TTTCCTTCCAGGTCCCCTCTTCACAAGTTTTGATGGCTGTCCTCCATGGCCATTTACTTG-3'
Protein context (NP_060404.4, residues 1633-1653): KLVKRGPGRK[Pro1643Ser]KVEVNTNSGE